The following is an entry in ClinVar:

NM_001079866.2(BCS1L):c.771G>A (p.Thr257=)

Gene: BCS1L (BCS1 ubiquinol-cytochrome c reductase complex chaperone; plus strand). Cytogenetic location: 2q35.
Variant type: single nucleotide variant.
Coding change: c.771G>A on transcript NM_001079866.2 (MANE Select); coding-DNA position 771, G replaced by A.
Protein change: p.Thr257=; no amino-acid change (threonine 257 retained).
Molecular consequence: synonymous variant. On other transcripts: non-coding transcript variant (1).
Genome position (GRCh38, 1-based): chr2:218,662,561, G>A. VCF-style: chr2-218662561-G-A. GRCh37 (hg19) VCF-style: chr2-219527284-G-A.
Other names: c.771G>A, p.Thr257= (NM_001257342.2, NM_001257343.2, NM_001257344.2 and 10 more transcripts); c.411G>A, p.Thr137= (NM_001318836.2, NM_001371451.1); c.270G>A, p.Thr90= (NM_001371452.1, NM_001371453.1, NM_001371454.1 and 3 more transcripts).
Identifiers: ClinVar variation 384871 (VCV000384871.11), dbSNP rs148302981, ClinGen allele CA2109755.

ClinVar aggregate classification (germline): Conflicting classifications of pathogenicity. Review status: criteria provided, conflicting classifications (1 of 4 stars). 6 submissions from 4 submitters: Uncertain significance (3); Likely benign (2). 1 of the submissions does not count toward it. Last evaluated 2026-01-12.

Conditions:
BCS1L-related disorder. Also called: BCS1L-related disorders; BCS1L-related condition. Identifiers: MedGen CN239240.
Leigh syndrome (NULS). Also called: Leigh's syndrome; Leigh Disease; Subacute necrotizing encephalopathy; Necrotizing encephalopathy infantile subacute of Leigh; LEIGH SYNDROME, NUCLEAR; Leigh Syndrome (mtDNA deletion). Identifiers: Orphanet 506, MedGen C2931891, MONDO:0009723, OMIM 256000.
GRACILE syndrome (FLNMS). Also called: FELLMAN SYNDROME; FINNISH LETHAL NEONATAL METABOLIC SYNDROME. Identifiers: Orphanet 53693, MedGen C1864002, MONDO:0011308, OMIM 603358.
Mitochondrial complex III deficiency nuclear type 1. Identifiers: Orphanet 254902, MedGen C3541471, MONDO:0007415, OMIM 124000.

Allele frequency attached by ClinVar (database versions not stated): gnomAD exomes 0.00005; ExAC 0.00007; ESP Exome Variant Server 0.00008; TOPMed 0.00009; gnomAD 0.00010 and 0.00011.
gnomAD v4.1: 110 of 1,614,020 alleles (0.0068%); highest among the groups gnomAD compares: Non-Finnish European, 0.0088%; 1 homozygote.

Submissions (6):

Labcorp Genetics (formerly Invitae), Labcorp
Classification: Likely benign. Last evaluated: 2026-01-12. Review status: criteria provided, single submitter. Criteria: Invitae Variant Classification Sherloc (09022015). Collection method: clinical testing. Allele origin: germline.

Illumina Laboratory Services, Illumina
Classification: Uncertain significance for GRACILE syndrome. Last evaluated: 2018-01-12. Review status: criteria provided, single submitter. Criteria: ICSL Variant Classification Criteria 13 December 2019. Collection method: clinical testing. Allele origin: germline.

Illumina Laboratory Services, Illumina
Classification: Uncertain significance for Mitochondrial complex III deficiency nuclear type 1. Last evaluated: 2018-01-12. Review status: criteria provided, single submitter. Criteria: ICSL Variant Classification Criteria 13 December 2019. Collection method: clinical testing. Allele origin: germline.

Illumina Laboratory Services, Illumina
Classification: Uncertain significance for Leigh syndrome. Last evaluated: 2018-01-12. Review status: criteria provided, single submitter. Criteria: ICSL Variant Classification Criteria 13 December 2019. Collection method: clinical testing. Allele origin: germline.

GeneDx
Classification: Likely benign. Last evaluated: 2016-04-03. Review status: criteria provided, single submitter. Criteria: GeneDx Variant Classification (06012015). Collection method: clinical testing. Allele origin: germline. Affected: yes.
Comment: This variant is considered likely benign or benign based on one or more of the following criteria: it is a conservative change, it occurs at a poorly conserved position in the protein, it is predicted to be benign by multiple in silico algorithms, and/or has population frequency not consistent with disease.

PreventionGenetics, part of Exact Sciences
Classification: Likely benign for BCS1L-related condition. Last evaluated: 2022-09-29. Review status: no assertion criteria provided. Collection method: clinical testing. Allele origin: germline. Not counted in ClinVar's aggregate classification.
Comment: This variant is classified as likely benign based on ACMG/AMP sequence variant interpretation guidelines (Richards et al. 2015 PMID: 25741868, with internal and published modifications).